The following is an entry in ClinVar:

ClinVar aggregate classification (germline): Conflicting classifications of pathogenicity. Review status: criteria provided, conflicting classifications (1 of 4 stars). 4 submissions from 4 submitters: Uncertain significance (1); Likely benign (2). 1 of the submissions does not count toward it. Last evaluated 2026-01-28.

Conditions:
TH-deficient dopa-responsive dystonia. Also called: DYT-TH; Segawa syndrome, autosomal recessive; Tyrosine Hydroxylase-Deficient Dopa-Responsive Dystonia. Identifiers: Orphanet 101150, MedGen C2673535, MONDO:0011551, OMIM 605407.

Allele frequency attached by ClinVar (database versions not stated): TOPMed 0.00011.
gnomAD v4.1: 77 of 1,610,860 alleles (0.0048%); highest among the groups gnomAD compares: Admixed American, 0.055%; no homozygotes.

Submissions (4):

Labcorp Genetics (formerly Invitae), Labcorp
Classification: Likely benign for TH-deficient dopa-responsive dystonia. Last evaluated: 2026-01-28. Review status: criteria provided, single submitter. Criteria: Invitae Variant Classification Sherloc (09022015). Collection method: clinical testing. Allele origin: germline.

Mayo Clinic Laboratories, Mayo Clinic
Classification: Likely benign. Last evaluated: 2025-09-03. Review status: criteria provided, single submitter. Criteria: ACMG Guidelines, 2015. Collection method: clinical testing. Allele origin: germline. Observed: 1 variant allele.
Comment: BP4, BP7

Illumina Laboratory Services, Illumina
Classification: Uncertain significance for TH-deficient dopa-responsive dystonia. Last evaluated: 2018-01-13. Review status: criteria provided, single submitter. Criteria: ICSL Variant Classification Criteria 13 December 2019. Collection method: clinical testing. Allele origin: germline.

Natera, Inc.
Classification: Likely benign for Autosomal recessive Segawa syndrome. Last evaluated: 2020-07-02. Review status: no assertion criteria provided. Collection method: clinical testing. Allele origin: germline. Not counted in ClinVar's aggregate classification.

NM_000360.4(TH):c.1105-5C>G

Gene: TH (tyrosine hydroxylase; minus strand). Cytogenetic location: 11p15.5.
Variant type: single nucleotide variant.
Coding change: c.1105-5C>G on transcript NM_000360.4 (MANE Select); 5 bases into the intron before coding-DNA position 1105, C replaced by G.
Molecular consequence: intron variant.
Genome position (GRCh38, 1-based): chr11:2,165,768, G>C on the plus strand (C>G on the coding strand, the complement: TH is on the minus strand). VCF-style: chr11-2165768-G-C. GRCh37 (hg19) VCF-style: chr11-2186998-G-C.
Other names: p.?; c.1186-5C>G (NM_199293.3); c.1198-5C>G (NM_199292.3).
Identifiers: ClinVar variation 304071 (VCV000304071.21), dbSNP rs535794692, ClinGen allele CA5818370.